The following is an entry in ClinVar:

ClinVar aggregate classification (germline): Uncertain significance. Review status: criteria provided, multiple submitters, no conflicts (2 of 4 stars). 3 submissions from 3 submitters: Uncertain significance (3). Last evaluated 2025-08-02.

Conditions:
Inborn genetic diseases. Identifiers: MedGen C0950123, MeSH D030342.

Allele frequency attached by ClinVar (database versions not stated): gnomAD exomes 0.00002 and 0.00003; ExAC 0.00005; gnomAD 0.00024 and 0.00025; TOPMed 0.00049; 1000 Genomes Project 0.00080; 1000 Genomes Project 30x 0.00094.
gnomAD v4.1: 68 of 1,614,150 alleles (0.0042%); highest among the groups gnomAD compares: Admixed American, 0.085%; 1 homozygote.

Submissions (3):

Ambry Genetics
Classification: Uncertain significance for Inborn genetic diseases. Last evaluated: 2025-08-02. Review status: criteria provided, single submitter. Criteria: Ambry Variant Classification Scheme 2023. Collection method: clinical testing. Allele origin: germline.

Labcorp Genetics (formerly Invitae), Labcorp
Classification: Uncertain significance. Last evaluated: 2024-10-25. Review status: criteria provided, single submitter. Criteria: Invitae Variant Classification Sherloc (09022015). Collection method: clinical testing. Allele origin: germline.
Comment: This sequence change replaces methionine, which is neutral and non-polar, with valine, which is neutral and non-polar, at codon 27 of the RGS9 protein (p.Met27Val). This variant is present in population databases (rs201444204, gnomAD 0.02%). This variant has not been reported in the literature in individuals affected with RGS9-related conditions. ClinVar contains an entry for this variant (Variation ID: 858339). Invitae Evidence Modeling of protein sequence and biophysical properties (such as structural, functional, and spatial information, amino acid conservation, physicochemical variation, residue mobility, and thermodynamic stability) indicates that this missense variant is not expected to disrupt RGS9 protein function with a negative predictive value of 80%. In summary, the available evidence is currently insufficient to determine the role of this variant in disease. Therefore, it has been classified as a Variant of Uncertain Significance.

Blueprint Genetics
Classification: Uncertain significance. Last evaluated: 2023-01-23. Review status: criteria provided, single submitter. Criteria: ACMG Guidelines, 2015. Collection method: clinical testing. Allele origin: germline.

NM_003835.4(RGS9):c.79A>G (p.Met27Val)

Gene: RGS9 (regulator of G protein signaling 9; plus strand). Cytogenetic location: 17q24.1.
Variant type: single nucleotide variant.
Coding change: c.79A>G on transcript NM_003835.4 (MANE Select); coding-DNA position 79, A replaced by G.
Protein change: p.Met27Val; replaces methionine 27 with valine.
Molecular consequence: missense variant.
Genome position (GRCh38, 1-based): chr17:65,153,443, A>G. VCF-style: chr17-65153443-A-G. GRCh37 (hg19) VCF-style: chr17-63149561-A-G.
Other names: c.79A>G, p.Met27Val (NM_001081955.3, NM_001165933.2); short protein forms M27V.
Identifiers: ClinVar variation 858339 (VCV000858339.9), dbSNP rs201444204, ClinGen allele CA8717481.
Genomic context (GRCh38, chr17:65,153,443, plus strand): 5'-TGTTCTCGTCAGTCGGCTTTTTCCTGTTCTGTCTTGCAGATTGAAGCGCTCGTGAAGGAC[A>G]TGCAGAACCCAGAGACAGGGGTCCGAATGCAGAACCAGAGGGTCCTGGTCACCAGCGTTC-3'
Protein context (NP_003826.2, residues 17-37): LQKIEALVKD[Met27Val]QNPETGVRMQ